The following is an entry in ClinVar:

NM_003482.4(KMT2D):c.15326G>T (p.Cys5109Phe)

Gene: KMT2D (lysine methyltransferase 2D; minus strand). Cytogenetic location: 12q13.12.
Variant type: single nucleotide variant.
Coding change: c.15326G>T on transcript NM_003482.4 (MANE Select); coding-DNA position 15326, G replaced by T.
Protein change: p.Cys5109Phe; replaces cysteine 5109 with phenylalanine.
Molecular consequence: missense variant.
Genome position (GRCh38, 1-based): chr12:49,026,640, C>A on the plus strand (G>T on the coding strand, the complement: KMT2D is on the minus strand). VCF-style: chr12-49026640-C-A. GRCh37 (hg19) VCF-style: chr12-49420423-C-A.
Other names: short protein forms C5109F.
Identifiers: ClinVar variation 4858990 (VCV004858990.1).

ClinVar aggregate classification (germline): Pathogenic (1 of 4 stars; one submission).

Conditions:
Inborn genetic diseases. Identifiers: MedGen C0950123, MeSH D030342.

Submission:

Ambry Genetics
Classification: Pathogenic for Inborn genetic diseases. Last evaluated: 2026-04-14. Review status: criteria provided, single submitter. Criteria: Ambry Variant Classification Scheme 2023. Collection method: clinical testing. Allele origin: germline.
Comment: The c.15326G>T (p.C5109F) alteration is located in exon 48 (coding exon 48) of the KMT2D gene. This alteration results from a G to T substitution at nucleotide position 15326, causing the cysteine (C) at amino acid position 5109 to be replaced by a phenylalanine (F). This variant was not reported in population-based cohorts in the Genome Aggregation Database (gnomAD). This variant was reported in individual(s) with features consistent with KMT2D-related Kabuki syndrome; in at least one individual, it was determined to be de novo (Ng, 2010; Lin, 2015). This amino acid position is highly conserved in available vertebrate species. This alteration is predicted to be deleterious by in silico analysis. Based on the available evidence, this alteration is classified as pathogenic.

Literature cited by the submitters: PubMed 20711175; PubMed 25142838.